The following is an entry in ClinVar:

ClinVar aggregate classification (germline): Uncertain significance (1 of 4 stars; one submission).

Conditions:
VPS13B-related disorder. Also called: VPS13B-related condition.

Submission:

PreventionGenetics, part of Exact Sciences
Classification: Uncertain significance for VPS13B-related condition. Last evaluated: 2025-05-21. Review status: criteria provided, single submitter. Criteria: ACMG Guidelines, 2015. Collection method: clinical testing. Allele origin: germline.
Comment: The VPS13B c.5833C>G variant is predicted to result in the amino acid substitution p.His1945Asp. To our knowledge, this variant has not been reported in the literature or in a large population database (gnomAD), indicating this variant is rare. At this time, the clinical significance of this variant is uncertain due to the absence of conclusive functional and genetic evidence.

NM_152564.5(VPS13B):c.5833C>G (p.His1945Asp)

Gene: VPS13B (vacuolar protein sorting 13 homolog B; plus strand). Cytogenetic location: 8q22.2.
Variant type: single nucleotide variant.
Coding change: c.5833C>G on transcript NM_152564.5 (MANE Select); coding-DNA position 5833, C replaced by G.
Protein change: p.His1945Asp; replaces histidine 1945 with aspartic acid.
Molecular consequence: missense variant.
Genome position (GRCh38, 1-based): chr8:99,642,423, C>G. VCF-style: chr8-99642423-C-G. GRCh37 (hg19) VCF-style: chr8-100654651-C-G.
Other names: c.5908C>G, p.His1970Asp (NM_017890.5); short protein forms H1970D, H1945D.
Identifiers: ClinVar variation 4999052 (VCV004999052.1).